The following is an entry in ClinVar:

NM_000257.4(MYH7):c.373G>T (p.Val125Phe)

Gene: MYH7 (myosin heavy chain 7; minus strand). Cytogenetic location: 14q11.2.
Variant type: single nucleotide variant.
Coding change: c.373G>T on transcript NM_000257.4 (MANE Select); coding-DNA position 373, G replaced by T.
Protein change: p.Val125Phe; replaces valine 125 with phenylalanine.
Molecular consequence: missense variant.
Genome position (GRCh38, 1-based): chr14:23,432,768, C>A on the plus strand (G>T on the coding strand, the complement: MYH7 is on the minus strand). VCF-style: chr14-23432768-C-A. GRCh37 (hg19) VCF-style: chr14-23901977-C-A.
Other names: p.V125F:GTC>TTC; c.373G>T (LRG_384t1); short protein forms V125F.
Identifiers: ClinVar variation 181301 (VCV000181301.2), dbSNP rs730880729, ClinGen allele CA014028.

ClinVar aggregate classification (germline): Uncertain significance (1 of 4 stars; one submission).

Submission:

GeneDx
Classification: Uncertain significance. Last evaluated: 2014-07-30. Review status: criteria provided, single submitter. Criteria: GeneDx Variant Classification (06012015). Collection method: clinical testing. Allele origin: germline. Affected: yes.
Comment: p.Val125Phe (GTC>TTC): c.373 G>T in exon 5 of the MYH7 gene (NM_000257.2). A variant of unknown significance has been identified in the MYH7 gene. The V125F variant has not been published as a mutation, nor has it been reported as a benign polymorphism to our knowledge. The V125F variant was not observed in approximately 6,500 individuals of European and African American ancestry in the NHLBI Exome Sequencing Project, indicating it is not a common benign variant in these populations. The V125F variant is a semi-conservative amino acid substitution, which may impact secondary protein structure as these residues differ in some properties. Additionally, this substitution occurs at a position that is conserved across species and in silico analysis predicts this variant is probably damaging to the protein structure/function. Furthermore, a missense mutation in a nearby residue (T124I) has been reported in association with hypertrophic cardiomyopathy, further supporting the functional importance of this region of the protein. Therefore, this variant is a strong candidate for a pathogenic mutation, however the possibility that it is a benign variant cannot be excluded. The variant is found in HCM panel(s).